The following is an entry in ClinVar:

ClinVar aggregate classification (germline): Uncertain significance (1 of 4 stars; one submission).

Conditions:
Inborn genetic diseases. Identifiers: MedGen C0950123, MeSH D030342.
Ocular cystinosis. Also called: Non-Nephropathic Cystinosis; Non-Nephropathic (Ocular) Cystinosis. Identifiers: Orphanet 213, Orphanet 411641, MedGen C2931013, MONDO:0009064, OMIM 219750.
Juvenile nephropathic cystinosis. Also called: Intermediate Cystinosis; CYSTINOSIS, LATE-ONSET JUVENILE OR ADOLESCENT NEPHROPATHIC TYPE; Later-Onset (Juvenile) Cystinosis. Identifiers: Orphanet 213, Orphanet 411634, MedGen C0268626, MONDO:0009066, OMIM 219900.

Submission:

Labcorp Genetics (formerly Invitae), Labcorp
Classification: Uncertain significance for Inborn genetic diseases; Ocular cystinosis; Juvenile nephropathic cystinosis. Last evaluated: 2022-08-02. Review status: criteria provided, single submitter. Criteria: Invitae Variant Classification Sherloc (09022015). Collection method: clinical testing. Allele origin: germline.
Comment: In summary, the available evidence is currently insufficient to determine the role of this variant in disease. Therefore, it has been classified as a Variant of Uncertain Significance. Advanced modeling of protein sequence and biophysical properties (such as structural, functional, and spatial information, amino acid conservation, physicochemical variation, residue mobility, and thermodynamic stability) performed at Invitae indicates that this missense variant is not expected to disrupt CTNS protein function. This variant has not been reported in the literature in individuals affected with CTNS-related conditions. This variant is not present in population databases (gnomAD no frequency). This sequence change replaces leucine, which is neutral and non-polar, with valine, which is neutral and non-polar, at codon 328 of the CTNS protein (p.Leu328Val).

NM_004937.3(CTNS):c.982C>G (p.Leu328Val)

Gene: CTNS (cystinosin, lysosomal cystine transporter; plus strand). Cytogenetic location: 17p13.2.
Variant type: single nucleotide variant.
Coding change: c.982C>G on transcript NM_004937.3 (MANE Select); coding-DNA position 982, C replaced by G.
Protein change: p.Leu328Val; replaces leucine 328 with valine.
Molecular consequence: missense variant.
Genome position (GRCh38, 1-based): chr17:3,660,247, C>G. VCF-style: chr17-3660247-C-G. GRCh37 (hg19) VCF-style: chr17-3563541-C-G.
Other names: c.982C>G, p.Leu328Val (NM_001031681.3, NM_001374492.1); c.541C>G, p.Leu181Val (NM_001374493.1, NM_001374494.1, NM_001374495.1 and 1 more transcripts); short protein forms L181V, L328V.
Identifiers: ClinVar variation 2106660 (VCV002106660.4), dbSNP rs2507793787, ClinGen allele CA397694023.
Genomic context (GRCh38, chr17:3,660,247, plus strand): 5'-TCAGGAGCTGCCAACCTAACACCAGCTTCTGTCCCCCGGCTGCTAACAGACCAGTGGACG[C>G]TGATCTTCGGAGACCCAACCAAGTTTGGACTCGGGGTCTTCTCCATCGTCTTCGACGTCG-3'
Protein context (NP_004928.2, residues 318-338): LQSYNNDQWT[Leu328Val]IFGDPTKFGL